The following is an entry in ClinVar:

NM_152631.3(FAM47B):c.963G>A (p.Pro321=)

Gene: FAM47B (family with sequence similarity 47 member B; plus strand). Cytogenetic location: Xp21.1.
Variant type: single nucleotide variant.
Coding change: c.963G>A on transcript NM_152631.3 (MANE Select); coding-DNA position 963, G replaced by A.
Protein change: p.Pro321=; no amino-acid change (proline 321 retained).
Molecular consequence: synonymous variant.
Genome position (GRCh38, 1-based): chrX:34,943,794, G>A. VCF-style: chrX-34943794-G-A. GRCh37 (hg19) VCF-style: chrX-34961911-G-A.
Identifiers: ClinVar variation 3053834 (VCV003053834.2), dbSNP rs759087237, ClinGen allele CA10381036.

ClinVar aggregate classification (germline): Likely benign (0 of 4 stars; one submission).

Conditions:
FAM47B-related disorder. Also called: FAM47B-related condition.

Allele frequency attached by ClinVar (database versions not stated): gnomAD 0.00005.
gnomAD v4.1: 53 of 1,207,637 alleles (0.0044%); highest among the groups gnomAD compares: Admixed American, 0.055%; no homozygotes.

Submission:

PreventionGenetics, part of Exact Sciences
Classification: Likely benign for FAM47B-related condition. Last evaluated: 2019-08-20. Review status: no assertion criteria provided. Collection method: clinical testing. Allele origin: germline.
Comment: This variant is classified as likely benign based on ACMG/AMP sequence variant interpretation guidelines (Richards et al. 2015 PMID: 25741868, with internal and published modifications).